The following continues an entry in ClinVar:

NM_001042492.3(NF1):c.1318C>T (p.Arg440Ter)

Gene: NF1. ClinVar aggregate classification (germline): Pathogenic. Pathogenic (28).

Submissions 17 to 30 of 30:

GeneDx
Classification: Pathogenic. Last evaluated: 2022-02-16. Review status: criteria provided, single submitter. Criteria: GeneDx Variant Classification Process June 2021. Collection method: clinical testing. Allele origin: germline. Affected: yes.
Comment: Nonsense variant predicted to result in protein truncation or nonsense mediated decay in a gene for which loss-of-function is a known mechanism of disease; This variant is associated with the following publications: (PMID: 7655472, 11940628, 16835897, 31212687, 31717729, 25525159, 10712197, 26744134, 28454108, 9452037, 15060124, 10862084, 30014477, 10336779, 23668869, 14517963, 24232412, 25925892, 10543400, 30713041, 30290804, 31370276, 30530636, 31730495, 31776437, 29625052)

Laboratory of Medical Genetics Unit, Bambino Gesù Children's Hospital
Classification: Pathogenic for Neurofibrmatosis type 1. Last evaluated: 2021-10-07. Review status: criteria provided, single submitter. Criteria: ACMG Guidelines, 2015. Collection method: research. Allele origin: de novo. Affected: yes. Observed: 1 heterozygote.

Athena Diagnostics
Classification: Pathogenic. Last evaluated: 2021-07-14. Review status: criteria provided, single submitter. Criteria: Athena Diagnostics Criteria. Collection method: clinical testing. Allele origin: unknown.
Comment: This variant is expected to result in the loss of a functional protein. The frequency of this variant in the general population is consistent with pathogenicity. This variant has been identified in at least one individual with clinical features associated with this gene.

Quest Diagnostics Nichols Institute San Juan Capistrano
Classification: Pathogenic. Last evaluated: 2021-07-14. Review status: criteria provided, single submitter. Criteria: Quest Diagnostics criteria. Collection method: clinical testing. Allele origin: unknown.
Comment: This variant causes the premature termination of NF1 protein synthesis. In addition, this variant has been reported as pathogenic in individuals with Neurofibromatosis type 1 in the published literature (PMIDs: 7655472 (1995), 15060124 (2004), and 23668869 (2013)). Based on the available information, this variant is classified as pathogenic.

Kariminejad - Najmabadi Pathology & Genetics Center
Classification: Pathogenic for Abnormality of the skin. Last evaluated: 2021-07-10. Review status: criteria provided, single submitter. Criteria: ACMG Guidelines, 2015. Collection method: clinical testing. Allele origin: de novo. Affected: yes.

Baylor Genetics
Classification: Pathogenic for Neurofibromatosis, type 1. Last evaluated: 2021-02-09. Review status: criteria provided, single submitter. Criteria: ACMG Guidelines, 2015. Collection method: clinical testing. Allele origin: maternal. Affected: yes. Study: CSER-TexasKidsCanSeq.
Comment: This variant was determined to be pathogenic according to ACMG Guidelines, 2015 [PMID:25741868].

Genome Diagnostics Laboratory, The Hospital for Sick Children
Classification: Pathogenic for Neurofibromatosis, type 1. Last evaluated: 2020-10-26. Review status: criteria provided, single submitter. Criteria: ACMG Guidelines, 2015. Collection method: clinical testing. Allele origin: germline. Affected: yes.

Division Of Personalized Genomic Medicine, Columbia University Irving Medical Center
Classification: Pathogenic for Neurofibromatosis, type 1. Last evaluated: 2020-04-10. Review status: criteria provided, single submitter. Criteria: ACMG Guidelines, 2015. Collection method: clinical testing. Allele origin: maternal. Inheritance: Autosomal dominant inheritance. Affected: yes. Observed: 1 heterozygote.
Comment: The c. 1318C>T variant is a heterozygous single base pair substitution at nucleotide 1318 in exon 12 of 58 of the NF1 gene, resulting in a premature translational stop signal at amino acid 440 of 2840 (p.Arg440Ter), and is expected to cause nonsense mediated mRNA decay. This variant is observed in the Genome Aggregation Database (gnomAD) at a very low frequency (2/251,412), indicating it is not a common benign variant in the populations represented in this database. This variant has been observed in the heterozygous state in multiple individuals with clinical features of Neurofibromatosis, type 1 (PMIDs: 24232412, 30530636, 7655472, 23668869, 16835897, 10862084, 10543400, 10712197, and 24922668). This variant has been reported in ClinVar as Pathogenic by multiple submitters (Variation ID: 230673; Last accessed: 3/25/2020).

Medical Genetics, University of Parma
Classification: Pathogenic for Neurofibromatosis, type 1. Last evaluated: 2019-12-20. Review status: criteria provided, single submitter. Criteria: ACMG Guidelines, 2015. Collection method: clinical testing. Allele origin: germline. Affected: yes.

Center for Human Genetics, Inc
Classification: Pathogenic for Neurofibromatosis, type 1. Last evaluated: 2016-11-01. Review status: criteria provided, single submitter. Criteria: ACMG Guidelines, 2015. Collection method: clinical testing. Allele origin: germline. Affected: yes.

Ambry Genetics
Classification: Pathogenic for Hereditary cancer-predisposing syndrome. Last evaluated: 2015-03-04. Review status: criteria provided, single submitter. Criteria: Ambry Autosomal Dominant and X-Linked criteria (10/2015). Collection method: clinical testing. Allele origin: germline. Observed: 1 variant allele.
Comment: Ã¢â‚¬â€¹<span style="background-color:initial">The p.R440* pathogenic mutation (also known as c.1318C>T), located in coding exon 12 of the NF1 gene, results from a C to T substitution at nucleotide position 1318. This changes the amino acid from an arginine to a stop codon within exon 12. This mutation has been reported in several individuals diagnosed with NF1 (Heim et al. Hum Mol Genet. 1995. 4(6):975-981; Fahsold et al. Am J Hum Genet. 2000. 66:790-818; Kluwe, et al. Hum Mutat. 2003 Nov;22(5):420). In addition to the clinical data presented in the literature, since premature stop codons are typically deleterious in nature, p.R440* is interpreted as a disease-causing mutation (ACMG Recommendations for Standards for Interpretation and Reporting of Sequence Variations. Revision 2007. Genet Med 2008;10:294).

Juno Genomics, Hangzhou Juno Genomics, Inc
Classification: Pathogenic for Neurofibromatosis, type 1. Review status: criteria provided, single submitter. Criteria: ACMG Guidelines, 2015. Collection method: clinical testing. Allele origin: germline. Affected: yes.
Comment: Absent from controls (or at extremely low frequency if recessive) in Genome Aggregation Database, Exome Sequencing Project, 1000 Genomes Project, or Exome Aggregation Consortium.;Null variant in a gene where loss of function (LOF) is a known mechanism of disease.;The prevalence of the variant in affected individuals is significantly increased compared to the prevalence in controls.;Patient's phenotype or family history is highly specific for a disease with a single genetic etiology.

Clinical Genetics DNA and cytogenetics Diagnostics Lab, Erasmus MC, Erasmus Medical Center
Classification: Pathogenic. Review status: no assertion criteria provided. Collection method: clinical testing. Allele origin: germline. Affected: yes. Study: VKGL Data-share Consensus. Not counted in ClinVar's aggregate classification.

Joint Genome Diagnostic Labs from Nijmegen and Maastricht, Radboudumc and MUMC+
Classification: Pathogenic. Review status: no assertion criteria provided. Collection method: clinical testing. Allele origin: germline. Affected: yes. Study: VKGL Data-share Consensus. Not counted in ClinVar's aggregate classification.

Literature cited by the submitters: PubMed 10712197 (cited by 6 submitters); PubMed 23913538 (cited by Labcorp Genetics (formerly Invitae), Labcorp and Institute for Genomic Medicine (IGM) Clinical Laboratory, Nationwide Children's Hospital); PubMed 7655472 (cited by 7 submitters); PubMed 10543400 (cited by 5 submitters); PubMed 10862084 (cited by 5 submitters); PubMed 16835897 (cited by 5 submitters); PubMed 23668869 (cited by 5 submitters); PubMed 24922668 (cited by 4 submitters); PubMed 26056819 (cited by 3 submitters); PubMed 24232412 (cited by Mayo Clinic Laboratories, Mayo Clinic and Division Of Personalized Genomic Medicine, Columbia University Irving Medical Center); PubMed 25925892 (cited by 3 submitters); PubMed 30530636 (cited by Mayo Clinic Laboratories, Mayo Clinic and Division Of Personalized Genomic Medicine, Columbia University Irving Medical Center); PubMed 31370276 (cited by 3 submitters); PubMed 31717729 (cited by Mayo Clinic Laboratories, Mayo Clinic); PubMed 31730495 (cited by Mayo Clinic Laboratories, Mayo Clinic); PubMed 36061378 (cited by Mayo Clinic Laboratories, Mayo Clinic); PubMed 15060124 (cited by Athena Diagnostics and Quest Diagnostics Nichols Institute San Juan Capistrano); PubMed 22034633 (cited by Athena Diagnostics and Quest Diagnostics Nichols Institute San Juan Capistrano); PubMed 9042399 (cited by Athena Diagnostics and Quest Diagnostics Nichols Institute San Juan Capistrano); PubMed 31766501 (cited by Athena Diagnostics and Quest Diagnostics Nichols Institute San Juan Capistrano); PubMed 15207265 (cited by Athena Diagnostics and Quest Diagnostics Nichols Institute San Juan Capistrano); PubMed 31308404 (cited by Athena Diagnostics and Quest Diagnostics Nichols Institute San Juan Capistrano); PubMed 33540839 (cited by Athena Diagnostics and Quest Diagnostics Nichols Institute San Juan Capistrano); PubMed 10336779 (cited by Athena Diagnostics and Quest Diagnostics Nichols Institute San Juan Capistrano); PubMed 30290804 (cited by Athena Diagnostics and Quest Diagnostics Nichols Institute San Juan Capistrano).